The following is an entry in ClinVar:

ClinVar aggregate classification (germline): Uncertain significance. Review status: criteria provided, multiple submitters, no conflicts (2 of 4 stars). 4 submissions from 4 submitters: Uncertain significance (3). 1 of the submissions does not count toward it. Last evaluated 2026-06-02.

Conditions:
Hereditary cancer-predisposing syndrome. Also called: Neoplastic Syndromes, Hereditary; Tumor predisposition; Hereditary Cancer Syndrome; Hereditary neoplastic syndrome. Identifiers: Orphanet 140162, MedGen C0027672, MeSH D009386, MONDO:0015356.
Ataxia-telangiectasia syndrome (AT). Also called: LOUIS-BAR SYNDROME; Cerebello-oculocutaneous telangiectasia; Immunodeficiency with ataxia telangiectasia; Ataxia telangiectasia (A-T); Ataxia-telangiectasia, complementation group D; AT, COMPLEMENTATION GROUP C. Identifiers: Orphanet 100, MedGen C0004135, MONDO:0008840, OMIM 208900.

gnomAD v4.1: 1 of 1,529,924 alleles (0.000065%); highest among the groups gnomAD compares: Admixed American, 0.0017%; no homozygotes.

Submissions (4):

Ambry Genetics
Classification: Uncertain significance for Hereditary cancer-predisposing syndrome. Last evaluated: 2026-06-02. Review status: criteria provided, single submitter. Criteria: Ambry Variant Classification Scheme 2023. Collection method: clinical testing. Allele origin: germline.
Comment: The p.I1237T variant (also known as c.3710T>C), located in coding exon 24 of the ATM gene, results from a T to C substitution at nucleotide position 3710. The isoleucine at codon 1237 is replaced by threonine, an amino acid with similar properties. This amino acid position is not well conserved in available vertebrate species. In addition, this alteration is predicted to be tolerated by in silico analysis. Based on the available evidence, the clinical significance of this variant remains unclear.

Women's Health and Genetics/Laboratory Corporation of America, LabCorp
Classification: Uncertain significance. Last evaluated: 2025-05-06. Review status: criteria provided, single submitter. Criteria: LabCorp Variant Classification Summary - May 2015. Collection method: clinical testing. Allele origin: germline.
Comment: Variant summary: ATM c.3710T>C (p.Ile1237Thr) results in a non-conservative amino acid change in the encoded protein sequence. Algorithms developed to predict the effect of missense changes on protein structure and function are either unavailable or do not agree on the potential impact of this missense change. The variant was absent in 245934 control chromosomes. The available data on variant occurrences in the general population are insufficient to allow any conclusion about variant significance. To our knowledge, no occurrence of c.3710T>C in individuals affected with Breast Cancer and no experimental evidence demonstrating its impact on protein function have been reported. No submitters have cited clinical-significance assessments for this variant to ClinVar. Based on the evidence outlined above, the variant was classified as uncertain significance.

Labcorp Genetics (formerly Invitae), Labcorp
Classification: Uncertain significance for Ataxia-telangiectasia syndrome. Last evaluated: 2025-04-02. Review status: criteria provided, single submitter. Criteria: Invitae Variant Classification Sherloc (09022015). Collection method: clinical testing. Allele origin: germline.
Comment: This sequence change replaces isoleucine, which is neutral and non-polar, with threonine, which is neutral and polar, at codon 1237 of the ATM protein (p.Ile1237Thr). This variant is not present in population databases (gnomAD no frequency). This variant has not been reported in the literature in individuals affected with ATM-related conditions. Invitae Evidence Modeling of protein sequence and biophysical properties (such as structural, functional, and spatial information, amino acid conservation, physicochemical variation, residue mobility, and thermodynamic stability) indicates that this missense variant is not expected to disrupt ATM protein function with a negative predictive value of 95%. In summary, the available evidence is currently insufficient to determine the role of this variant in disease. Therefore, it has been classified as a Variant of Uncertain Significance.

Natera, Inc.
Classification: Uncertain significance for Ataxia-telangiectasia. Last evaluated: 2025-03-13. Review status: no assertion criteria provided. Collection method: clinical testing. Allele origin: germline. Not counted in ClinVar's aggregate classification.

NM_000051.4(ATM):c.3710T>C (p.Ile1237Thr)

Gene: ATM (ATM serine/threonine kinase; plus strand). Cytogenetic location: 11q22.3.
Variant type: single nucleotide variant.
Coding change: c.3710T>C on transcript NM_000051.4 (MANE Select); coding-DNA position 3710, T replaced by C.
Protein change: p.Ile1237Thr; replaces isoleucine 1237 with threonine.
Molecular consequence: missense variant.
Genome position (GRCh38, 1-based): chr11:108,282,843, T>C. VCF-style: chr11-108282843-T-C. GRCh37 (hg19) VCF-style: chr11-108153570-T-C.
Other names: c.3710T>C, p.Ile1237Thr (NM_001351834.2); short protein forms I1237T.
Identifiers: ClinVar variation 3902463 (VCV003902463.4).